The following is an entry in ClinVar:

ClinVar aggregate classification (germline): Uncertain significance (0 of 4 stars; one submission).

Conditions:
GNAS-related disorder. Identifiers: MedGen CN380105.

gnomAD v4.1: 6 of 1,540,190 alleles (0.00039%); highest among the groups gnomAD compares: African/African-American, 0.0041%; no homozygotes.

Submission:

PreventionGenetics, part of Exact Sciences
Classification: Uncertain significance for GNAS-related condition. Last evaluated: 2024-07-22. Review status: no assertion criteria provided. Collection method: clinical testing. Allele origin: germline.
Comment: The GNAS c.1337C>T variant is predicted to result in the amino acid substitution p.Ala446Val. Please note that in the canonical transcript (NM_000516.7), this variant is pre-coding (c.-37125C>T). To our knowledge, this variant has not been reported in the literature. This variant is reported in 0.02% of alleles in individuals of African descent in gnomAD. At this time, the clinical significance of this variant is uncertain due to the absence of conclusive functional and genetic evidence.

NM_080425.4(GNAS):c.1337C>T (p.Ala446Val)

Gene: GNAS (GNAS complex locus; plus strand). Cytogenetic location: 20q13.32.
Variant type: single nucleotide variant.
Coding change: c.1337C>T on transcript NM_080425.4 (MANE Plus Clinical); coding-DNA position 1337, C replaced by T.
Protein change: p.Ala446Val; replaces alanine 446 with valine.
Molecular consequence: missense variant. On other transcripts: intron variant (3).
Genome position (GRCh38, 1-based): chr20:58,854,602, C>T. VCF-style: chr20-58854602-C-T. GRCh37 (hg19) VCF-style: chr20-57429657-C-T.
Other names: c.1150C>T, p.Pro384Ser (NM_001077490.3, NM_001309883.1); c.1337C>T, p.Ala446Val (NM_001410913.1); c.*42+13716C>T (NM_016592.5); c.43+13716C>T (NM_001410912.1); c.-39+12727C>T (NM_001309861.2); short protein forms A446V, P384S.
Identifiers: ClinVar variation 3354030 (VCV003354030.1).